The following is an entry in ClinVar:

NM_000051.4(ATM):c.5774G>A (p.Gly1925Glu)

Genes: ATM (ATM serine/threonine kinase; plus strand), C11orf65 (chromosome 11 open reading frame 65; minus strand). Cytogenetic location: 11q22.3.
Variant type: single nucleotide variant.
Coding change: c.5774G>A on transcript NM_000051.4 (MANE Select); coding-DNA position 5774, G replaced by A.
Protein change: p.Gly1925Glu; replaces glycine 1925 with glutamic acid.
Molecular consequence: missense variant. On other transcripts: intron variant (2).
Genome position (GRCh38, 1-based): chr11:108,310,171, G>A. VCF-style: chr11-108310171-G-A. GRCh37 (hg19) VCF-style: chr11-108180898-G-A.
Other names: c.641-1100C>T (NM_001330368.2); c.*39-1100C>T (NM_001351110.2); c.5774G>A, p.Gly1925Glu (NM_001351834.2); short protein forms G1925E.
Identifiers: ClinVar variation 233040 (VCV000233040.21), dbSNP rs755055090, ClinGen allele CA6265784.

ClinVar aggregate classification (germline): Uncertain significance. Review status: criteria provided, multiple submitters, no conflicts (2 of 4 stars). 6 submissions from 6 submitters: Uncertain significance (5). 1 of the submissions does not count toward it. Last evaluated 2026-01-07.

Conditions:
ATM-related disorder. Also called: ATM-related disorders; ATM-related condition.
Hereditary cancer-predisposing syndrome. Also called: Neoplastic Syndromes, Hereditary; Hereditary neoplastic syndrome; Tumor predisposition; Hereditary Cancer Syndrome. Identifiers: Orphanet 140162, MedGen C0027672, MeSH D009386, MONDO:0015356.
Ataxia-telangiectasia syndrome (AT). Also called: Ataxia telangiectasia (A-T); Cerebello-oculocutaneous telangiectasia; Immunodeficiency with ataxia telangiectasia; LOUIS-BAR SYNDROME; AT, COMPLEMENTATION GROUP C; ATAXIA-TELANGIECTASIA, FRESNO VARIANT. Identifiers: Orphanet 100, MedGen C0004135, MONDO:0008840, OMIM 208900.

Allele frequency attached by ClinVar (database versions not stated): gnomAD exomes below 0.00001; ExAC 0.00001.
gnomAD v4.1: 1 of 1,613,228 alleles (0.000062%); highest among the groups gnomAD compares: Non-Finnish European, 0.000085%; no homozygotes.

Submissions (6):

Labcorp Genetics (formerly Invitae), Labcorp
Classification: Uncertain significance for Ataxia-telangiectasia syndrome. Last evaluated: 2026-01-07. Review status: criteria provided, single submitter. Criteria: Invitae Variant Classification Sherloc (09022015). Collection method: clinical testing. Allele origin: germline.
Comment: This sequence change replaces glycine, which is neutral and non-polar, with glutamic acid, which is acidic and polar, at codon 1925 of the ATM protein (p.Gly1925Glu). This variant is present in population databases (rs755055090, gnomAD 0.0009%). This variant has not been reported in the literature in individuals affected with ATM-related conditions. ClinVar contains an entry for this variant (Variation ID: 233040). Invitae Evidence Modeling of protein sequence and biophysical properties (such as structural, functional, and spatial information, amino acid conservation, physicochemical variation, residue mobility, and thermodynamic stability) indicates that this missense variant is not expected to disrupt ATM protein function with a negative predictive value of 95%. In summary, the available evidence is currently insufficient to determine the role of this variant in disease. Therefore, it has been classified as a Variant of Uncertain Significance.

Ambry Genetics
Classification: Uncertain significance for Hereditary cancer-predisposing syndrome. Last evaluated: 2025-10-27. Review status: criteria provided, single submitter. Criteria: Ambry Variant Classification Scheme 2023. Collection method: clinical testing. Allele origin: germline.
Comment: The p.G1925E variant (also known as c.5774G>A), located in coding exon 38 of the ATM gene, results from a G to A substitution at nucleotide position 5774. The glycine at codon 1925 is replaced by glutamic acid, an amino acid with similar properties. In an assay testing ATM function, this variant showed a functionally normal result (Lee KS et al. Cell, 2025 Sep;188:5081-5099.e27). This amino acid position is well conserved in available vertebrate species. In addition, the in silico prediction for this alteration is inconclusive. Based on the available evidence, the clinical significance of this variant remains unclear.

GeneDx
Classification: Uncertain significance. Last evaluated: 2023-06-07. Review status: criteria provided, single submitter. Criteria: GeneDx Variant Classification Process June 2021. Collection method: clinical testing. Allele origin: germline. Affected: yes.
Comment: Not observed at significant frequency in large population cohorts (gnomAD); In silico analysis supports that this missense variant does not alter protein structure/function; Observed in an individual with kidney cancer whose testing also identified ATM p.(P1922H) (Yehia et al., 2018); This variant is associated with the following publications: (PMID: 29684080)

Color Diagnostics, LLC DBA Color Health
Classification: Uncertain significance for Hereditary cancer-predisposing syndrome. Last evaluated: 2022-09-09. Review status: criteria provided, single submitter. Criteria: ACMG Guidelines, 2015. Collection method: clinical testing. Allele origin: germline.
Comment: This missense variant replaces glycine with glutamic acid at codon 1925 of the ATM protein. Computational prediction suggests that this variant may not impact protein structure and function (internally defined REVEL score threshold <= 0.5, PMID: 27666373). To our knowledge, functional studies have not been reported for this variant. This variant has not been reported in individuals affected with hereditary cancer in the literature. This variant has been identified in 1/245786 chromosomes in the general population by the Genome Aggregation Database (gnomAD). The available evidence is insufficient to determine the role of this variant in disease conclusively. Therefore, this variant is classified as a Variant of Uncertain Significance.

Sema4
Classification: Uncertain significance for Hereditary cancer-predisposing syndrome. Last evaluated: 2021-11-15. Review status: criteria provided, single submitter. Criteria: Sema4 Curation Guidelines. Collection method: curation. Allele origin: germline.
Comment: The ATM c.5774G>A (p.G1925E) variant has not been reported in the literature to our knowledge. It was not observed in the large and broad cohorts of the Genome Aggregation Database (PMID: 32461654). The variant has been reported in ClinVar (Variation ID 233040). Functional studies have not been performed, and in silico predictions of the variant's effect on protein function are inconclusive. The evidence is insufficient to meet ACMG/AMP criteria for classifying the variant as benign or pathogenic. Thus, the clinical significance of this variant is currently uncertain.

PreventionGenetics, part of Exact Sciences
Classification: Uncertain significance for ATM-related condition. Last evaluated: 2024-05-30. Review status: no assertion criteria provided. Collection method: clinical testing. Allele origin: germline. Not counted in ClinVar's aggregate classification.
Comment: The ATM c.5774G>A variant is predicted to result in the amino acid substitution p.Gly1925Glu. To our knowledge, this variant has not been reported in the literature or in a large population database, indicating this variant is rare. This variant is interpreted as uncertain clinical significance in ClinVar. At this time, the clinical significance of this variant is uncertain due to the absence of conclusive functional and genetic evidence.

Literature cited by the submitters: PubMed 40580951 (cited by Ambry Genetics).